The following is an entry in ClinVar:

ClinVar aggregate classification (germline): Uncertain significance (1 of 4 stars; one submission).

Conditions:
Atrial fibrillation, familial, 7 (ATFB7). Identifiers: MedGen C2677106, MONDO:0012828, OMIM 612240.

Allele frequency attached by ClinVar (database versions not stated): TOPMed 0.00002.

Submission:

Labcorp Genetics (formerly Invitae), Labcorp
Classification: Uncertain significance for Atrial fibrillation, familial, 7. Last evaluated: 2025-06-12. Review status: criteria provided, single submitter. Criteria: Invitae Variant Classification Sherloc (09022015). Collection method: clinical testing. Allele origin: germline.
Comment: This sequence change replaces valine, which is neutral and non-polar, with methionine, which is neutral and non-polar, at codon 594 of the KCNA5 protein (p.Val594Met). This variant is present in population databases (rs771488872, gnomAD 0.006%). This variant has not been reported in the literature in individuals affected with KCNA5-related conditions. ClinVar contains an entry for this variant (Variation ID: 2049433). An algorithm developed to predict the effect of missense changes on protein structure and function (PolyPhen-2) suggests that this variant is likely to be disruptive. In summary, the available evidence is currently insufficient to determine the role of this variant in disease. Therefore, it has been classified as a Variant of Uncertain Significance.

NM_002234.4(KCNA5):c.1780G>A (p.Val594Met)

Gene: KCNA5 (potassium voltage-gated channel subfamily A member 5; plus strand). Cytogenetic location: 12p13.32.
Variant type: single nucleotide variant.
Coding change: c.1780G>A on transcript NM_002234.4 (MANE Select); coding-DNA position 1780, G replaced by A.
Protein change: p.Val594Met; replaces valine 594 with methionine.
Molecular consequence: missense variant.
Genome position (GRCh38, 1-based): chr12:5,045,927, G>A. VCF-style: chr12-5045927-G-A. GRCh37 (hg19) VCF-style: chr12-5155093-G-A.
Other names: short protein forms V594M.
Identifiers: ClinVar variation 2049433 (VCV002049433.4), dbSNP rs771488872, ClinGen allele CA6399948.